The following continues an entry in ClinVar:

NM_000540.3(RYR1):c.10616G>A (p.Arg3539His)

Gene: RYR1. ClinVar aggregate classification (germline): Likely benign. Likely benign (1).

Submissions 15 to 29 of 29:

Mendelics
Classification: Benign for Malignant hyperthermia, susceptibility to, 1. Last evaluated: 2019-05-28. Review status: criteria provided, single submitter. Criteria: Mendelics Assertion Criteria 2017. Collection method: clinical testing. Allele origin: unknown. Not counted in ClinVar's aggregate classification.

Genetic Services Laboratory, University of Chicago
Classification: Uncertain significance. Last evaluated: 2017-02-02. Review status: criteria provided, single submitter. Criteria: ACMG Guidelines, 2015. Collection method: clinical testing. Allele origin: germline. Affected: no. Not counted in ClinVar's aggregate classification.

Laboratory for Molecular Medicine, Mass General Brigham Personalized Medicine
Classification: Uncertain significance. Last evaluated: 2017-01-24. Review status: criteria provided, single submitter. Criteria: LMM Criteria. Collection method: clinical testing. Allele origin: germline. Not counted in ClinVar's aggregate classification.
Comment: Variant identified in a genome or exome case(s) and assessed due to predicted null impact of the variant or pathogenic assertions in the literature or databases. Disclaimer: This variant has not undergone full assessment. The following are preliminary notes: This variant is classified in HGMD as DM relating to central core disease and is reported in 10 papers, with comments suggesting VUS/LB. This variant has a Max MAF of 0.30% in ExAC (384/126200 European chrs including 1 homozygote - high for central core disease prevalence of 6/100,000). It is classified in ClinVar as VUS by 4 submitters (Emory, GeneDx, CHOP, Biesecker), and Likely benign by U Wash.

Eurofins Ntd Llc (ga)
Classification: Uncertain significance. Last evaluated: 2016-08-01. Review status: criteria provided, single submitter. Criteria: EGL Classification Definitions 2015. Collection method: clinical testing. Allele origin: germline. Observed: 4 variant alleles, 4 heterozygotes. Not counted in ClinVar's aggregate classification.

Genomic Diagnostic Laboratory, Division of Genomic Diagnostics, Children's Hospital of Philadelphia
Classification: Uncertain significance. Last evaluated: 2015-06-18. Review status: criteria provided, single submitter. Criteria: DGD Variant Analysis Guidelines. Collection method: clinical testing. Allele origin: unknown. Not counted in ClinVar's aggregate classification.

Biesecker Lab/Clinical Genomics Section, National Institutes of Health
Classification: Uncertain significance for Malignant hyperthermia, susceptibility to, 1. Last evaluated: 2013-07-01. Review status: criteria provided, single submitter. Criteria: Gonsalves et al. 2013. Collection method: research. Allele origin: unknown. Observed: 1 variant allele. Study: ClinSeq. Not counted in ClinVar's aggregate classification.
Comment: The study set was not selected for affection status in relation to any myopathy. Pathogenicity categories were based on literature curation. See Pubmed ID: 24195946 for details.

Breakthrough Genomics
Classification: Likely benign. Review status: criteria provided, single submitter. Criteria: ACMG Guidelines, 2015. Collection method: not provided. Allele origin: germline. Inheritance: Autosomal recessive inheritance. Affected: yes. Not counted in ClinVar's aggregate classification.

CSER _CC_NCGL, University of Washington
Classification: Likely benign for Central core disease. Last evaluated: 2014-06-01. Review status: no assertion criteria provided. Collection method: research. Allele origin: germline. Inheritance: Autosomal dominant inheritance. Study: ESP 6500 variant annotation. Not counted in ClinVar's aggregate classification.
Comment: Variants classified for the Actionable exomic incidental findings in 6503 participants: challenges of variant classification manuscript

Clinical Genetics DNA and cytogenetics Diagnostics Lab, Erasmus MC, Erasmus Medical Center
Classification: Uncertain significance. Review status: no assertion criteria provided. Collection method: clinical testing. Allele origin: germline. Affected: yes. Study: VKGL Data-share Consensus. Not counted in ClinVar's aggregate classification.

Department of Pathology and Laboratory Medicine, Sinai Health System
Classification: Uncertain significance. Review status: no assertion criteria provided. Collection method: clinical testing. Allele origin: unknown. Affected: yes. Study: The Canadian Open Genetics Repository (COGR). Not counted in ClinVar's aggregate classification.

Diagnostic Laboratory, Department of Genetics, University Medical Center Groningen
Classification: Uncertain significance. Review status: no assertion criteria provided. Collection method: clinical testing. Allele origin: germline. Affected: yes. Study: VKGL Data-share Consensus. Not counted in ClinVar's aggregate classification.

Genome Diagnostics Laboratory, Amsterdam University Medical Center
Classification: Uncertain significance. Review status: no assertion criteria provided. Collection method: clinical testing. Allele origin: germline. Affected: yes. Study: VKGL Data-share Consensus. Not counted in ClinVar's aggregate classification.

Joint Genome Diagnostic Labs from Nijmegen and Maastricht, Radboudumc and MUMC+
Classification: Uncertain significance. Review status: no assertion criteria provided. Collection method: clinical testing. Allele origin: germline. Affected: yes. Study: VKGL Data-share Consensus. Not counted in ClinVar's aggregate classification.

Laboratory of Diagnostic Genome Analysis, Leiden University Medical Center (LUMC)
Classification: Uncertain significance. Review status: no assertion criteria provided. Collection method: clinical testing. Allele origin: germline. Affected: yes. Study: VKGL Data-share Consensus. Not counted in ClinVar's aggregate classification.

RYR1 database
No classification provided. Review status: no classification provided. Collection method: not provided. Allele origin: unknown. Not counted in ClinVar's aggregate classification.

Literature cited by the submitters: PubMed 36833224 (cited by Athena Diagnostics); PubMed 34463354 (cited by Athena Diagnostics and Mayo Clinic Laboratories, Mayo Clinic); PubMed 37945484 (cited by Athena Diagnostics); PubMed 31127727 (cited by Athena Diagnostics); PubMed 33258288 (cited by Athena Diagnostics and Mayo Clinic Laboratories, Mayo Clinic); PubMed 24433488 (cited by Athena Diagnostics and Eurofins Ntd Llc (ga)); PubMed 23558838 (cited by 3 submitters); PubMed 22473935 (cited by 3 submitters); PubMed 18253926 (cited by 4 submitters); PubMed 23127960 (cited by 4 submitters); PubMed 30788618 (cited by 3 submitters); PubMed 30611313 (cited by Athena Diagnostics and Mayo Clinic Laboratories, Mayo Clinic); PubMed 31559918 (cited by Athena Diagnostics); PubMed 25960145 (cited by Athena Diagnostics and Victorian Clinical Genetics Services, Murdoch Childrens Research Institute); PubMed 32054689 (cited by Athena Diagnostics); PubMed 19825159 (cited by Athena Diagnostics); PubMed 23460944 (cited by Athena Diagnostics); PubMed 30236257 (cited by Athena Diagnostics); PubMed 24055113 (cited by Mayo Clinic Laboratories, Mayo Clinic and Eurofins Ntd Llc (ga)); PubMed 24195946 (cited by Mayo Clinic Laboratories, Mayo Clinic); PubMed 25637381 (cited by Mayo Clinic Laboratories, Mayo Clinic); PubMed 26332594 (cited by Mayo Clinic Laboratories, Mayo Clinic); PubMed 27153395 (cited by Mayo Clinic Laboratories, Mayo Clinic); PubMed 30325262 (cited by Mayo Clinic Laboratories, Mayo Clinic); PubMed 40192509 (cited by Mayo Clinic Laboratories, Mayo Clinic); PubMed 19015156 (cited by Eurofins Ntd Llc (ga)).